The following is an entry in ClinVar:

ClinVar aggregate classification (germline): Conflicting classifications of pathogenicity. Review status: criteria provided, conflicting classifications (1 of 4 stars). 8 submissions from 8 submitters: Uncertain significance (5); Likely benign (2). 1 of the submissions does not count toward it. Last evaluated 2025-07-14.

Conditions:
Hereditary cancer-predisposing syndrome. Also called: Neoplastic Syndromes, Hereditary; Tumor predisposition; Hereditary neoplastic syndrome; Hereditary Cancer Syndrome. Identifiers: Orphanet 140162, MedGen C0027672, MeSH D009386, MONDO:0015356.
Hereditary breast ovarian cancer syndrome. Also called: Hereditary breast and ovarian cancer syndrome; Hereditary breast and ovarian cancer; Hereditary breast and ovarian cancer syndrome (HBOC); Breast and ovarian cancer; Hereditary breast and/or ovarian cancer syndrome; BRCA1- and BRCA2-Associated Hereditary Breast and Ovarian Cancer. Identifiers: Orphanet 145, MedGen C0677776, MeSH D061325, MONDO:0003582. Disease mechanism: loss of function.
BRCA2-related cancer predisposition. Identifiers: MedGen CN377758, MONDO:0700269.
Breast-ovarian cancer, familial, susceptibility to, 2 (BROVCA2). Also called: BRCA2 Hereditary Breast and Ovarian Cancer. Identifiers: Orphanet 145, MedGen C2675520, MONDO:0012933, OMIM 612555. Disease mechanism: loss of function.

Submissions (8):

Ambry Genetics
Classification: Uncertain significance for Hereditary cancer-predisposing syndrome. Last evaluated: 2025-07-14. Review status: criteria provided, single submitter. Criteria: Ambry Variant Classification Scheme 2023. Collection method: clinical testing. Allele origin: germline.
Comment: The c.5728_5730delAAT variant (also known as p.N1910del) is located in coding exon 10 of the BRCA2 gene. This variant results from an in-frame AAT deletion at nucleotide positions 5728 to 5730. This results in the in-frame deletion of an asparagine at codon 1910. This alteration has been identified in an individual diagnosed with breast cancer (Li G et al. J Cancer Res Clin Oncol, 2017 Oct;143:2011-2024). This amino acid position is poorly conserved in available vertebrate species. In addition, the in silico prediction for this alteration is inconclusive (Choi Y et al. PLoS ONE. 2012; 7(10):e46688). Based on the available evidence, the clinical significance of this variant remains unclear.

Department of Pathology and Laboratory Medicine, Sinai Health System
Classification: Uncertain significance for BRCA2-related cancer predisposition. Last evaluated: 2025-02-12. Review status: criteria provided, single submitter. Criteria: ACMG Guidelines, 2015. Collection method: clinical testing. Allele origin: germline.

Labcorp Genetics (formerly Invitae), Labcorp
Classification: Uncertain significance for Hereditary breast ovarian cancer syndrome. Last evaluated: 2025-01-21. Review status: criteria provided, single submitter. Criteria: Invitae Variant Classification Sherloc (09022015). Collection method: clinical testing. Allele origin: germline.
Comment: This variant, c.5728_5730del, results in the deletion of 1 amino acid(s) of the BRCA2 protein (p.Asn1910del), but otherwise preserves the integrity of the reading frame. This variant is not present in population databases (gnomAD no frequency). This variant has been observed in individual(s) with breast and/or ovarian cancer (PMID: 28664449, 31825140, 37937776). ClinVar contains an entry for this variant (Variation ID: 51918). Experimental studies and prediction algorithms are not available or were not evaluated, and the functional significance of this variant is currently unknown. In summary, the available evidence is currently insufficient to determine the role of this variant in disease. Therefore, it has been classified as a Variant of Uncertain Significance.

GeneDx
Classification: Uncertain significance. Last evaluated: 2023-11-21. Review status: criteria provided, single submitter. Criteria: GeneDx Variant Classification Process June 2021. Collection method: clinical testing. Allele origin: germline. Affected: yes.
Comment: In-frame deletion of 1 amino acids in a non-repeat region; Observed in an individual with breast cancer (PMID: 28664449); Not observed at significant frequency in large population cohorts (gnomAD); In silico analysis supports a deleterious effect on protein structure/function; Also known as 5956_5958del; This variant is associated with the following publications: (PMID: 31825140, 30702160, 28664449, 31853058)

All of Us Research Program, National Institutes of Health
Classification: Likely benign for Breast-ovarian cancer, familial, susceptibility to, 2. Last evaluated: 2023-11-20. Review status: criteria provided, single submitter. Criteria: ACMG Guidelines, 2015. Collection method: clinical testing. Allele origin: germline. Inheritance: Autosomal dominant inheritance. Observed: 1 variant allele, 1 heterozygote.
Comment: This study involves interpretation of variants in research participants for the purpose of population health screening. Participant phenotype was not available at the time of variant classification. Additional details can be found in publication PMID: 35346344, PMCID: PMC8962531

Quest Diagnostics Nichols Institute San Juan Capistrano
Classification: Uncertain significance. Last evaluated: 2023-06-02. Review status: criteria provided, single submitter. Criteria: Quest Diagnostics criteria. Collection method: clinical testing. Allele origin: unknown.
Comment: In the published literature, this variant has been reported in an affected individual with breast cancer (PMID: 28664449 (2017)). This variant has not been reported in large, multi-ethnic general populations (Genome Aggregation Database). Based on the available information, we are unable to determine the clinical significance of this variant.

Color Diagnostics, LLC DBA Color Health
Classification: Likely benign for Hereditary cancer-predisposing syndrome. Last evaluated: 2016-03-02. Review status: criteria provided, single submitter. Criteria: ACMG Guidelines, 2015. Collection method: clinical testing. Allele origin: germline.

Breast Cancer Information Core (BIC) (BRCA2)
Classification: Uncertain significance for Breast-ovarian cancer, familial 2. Last evaluated: 2002-05-29. Review status: no assertion criteria provided. Collection method: clinical testing. Allele origin: germline. Affected: yes. Observed: 1 variant allele. Not counted in ClinVar's aggregate classification.

Literature cited by the submitters: PubMed 28664449 (cited by 4 submitters); PubMed 31825140 (cited by 3 submitters); PubMed 37937776 (cited by Labcorp Genetics (formerly Invitae), Labcorp); PubMed 30702160 (cited by Quest Diagnostics Nichols Institute San Juan Capistrano).

NM_000059.4(BRCA2):c.5728_5730del (p.Asn1910del)

Gene: BRCA2 (BRCA2 DNA repair associated; plus strand). Cytogenetic location: 13q13.1.
Variant type: Deletion.
Coding change: c.5728_5730del on transcript NM_000059.4 (MANE Select); coding-DNA positions 5728 to 5730, 3 bases deleted (AAT; older notation c.5728_5730delAAT).
Protein change: p.Asn1910del; deletes asparagine 1910.
Molecular consequence: inframe deletion.
Genome position (GRCh38, 1-based): chr13:32,340,083-32,340,085, AAT deleted; deleting any 3 consecutive bases within chr13:32,340,081-32,340,085 gives the same sequence; the c. name uses the placement nearest the transcript's 3' end. VCF-style (leftmost placement, unchanged base first): chr13-32340080-GATA-G. GRCh37 (hg19) VCF-style: chr13-32914217-GATA-G.
Other names: c.5728_5730delAAT (NM_000059.3); short protein forms N1910del.
Identifiers: ClinVar variation 51918 (VCV000051918.22), dbSNP rs28897736, ClinGen allele CA023065.